The following is an entry in ClinVar:

NM_024426.6(WT1):c.996A>T (p.Lys332Asn)

Gene: WT1 (WT1 transcription factor; minus strand). Cytogenetic location: 11p13.
Variant type: single nucleotide variant.
Coding change: c.996A>T on transcript NM_024426.6 (MANE Select); coding-DNA position 996, A replaced by T.
Protein change: p.Lys332Asn; replaces lysine 332 with asparagine.
Molecular consequence: missense variant. On other transcripts: non-coding transcript variant (1), intron variant (2).
Genome position (GRCh38, 1-based): chr11:32,416,510, T>A on the plus strand (A>T on the coding strand, the complement: WT1 is on the minus strand). VCF-style: chr11-32416510-T-A. GRCh37 (hg19) VCF-style: chr11-32438056-T-A.
Other names: c.345A>T, p.Lys115Asn (NM_001198551.2); c.996A>T, p.Lys332Asn (NM_001407044.1, NM_001407046.1, NM_024424.5); c.873A>T, p.Lys291Asn (NM_001407047.1); c.234A>T, p.Lys78Asn (NM_001407051.1); c.965+1067A>T (NM_000378.6); c.314+1067A>T (NM_001198552.2); c.981A>T (NM_024426.4); short protein forms K115N, K332N, K327N, K291N, K78N.
Identifiers: ClinVar variation 1018611 (VCV001018611.12), dbSNP rs758410591, ClinGen allele CA379961753.

ClinVar aggregate classification (germline): Conflicting classifications of pathogenicity. Review status: criteria provided, conflicting classifications (1 of 4 stars). 3 submissions from 3 submitters: Uncertain significance (2); Likely benign (1). Last evaluated 2025-01-24.

Conditions:
Meacham syndrome. Also called: Meacham Winn Culler syndrome. Identifiers: Orphanet 3097, MedGen C1837026, MONDO:0012164, OMIM 608978.
Wilms tumor 1 (WT1). Also called: Wilms tumor, somatic. Identifiers: Orphanet 654, MedGen CN033288, MONDO:0008679, OMIM 194070.
Frasier syndrome. Identifiers: Orphanet 347, MedGen C0950122, MeSH D052159, MONDO:0007635, OMIM 136680.
Nephrotic syndrome, type 4 (NPHS4). Also called: Familial mesangial sclerosis; Nephrotic syndrome, early onset with diffuse mesangial sclerosis. Identifiers: Orphanet 656, MedGen C3151568, MONDO:0009733, OMIM 256370.
Drash syndrome (DDS). Also called: WILMS TUMOR AND PSEUDO- OR TRUE HERMAPHRODITISM; NEPHROPATHY, WILMS TUMOR, AND GENITAL ANOMALIES. Identifiers: Orphanet 220, MedGen C0950121, MONDO:0008682, OMIM 194080.
Mesothelioma, malignant (MESOM). Also called: Malignant mesothelioma (disease). Identifiers: Orphanet 50251, MedGen C0345967, MONDO:0006292, OMIM 156240, HP:0100001.
Inborn genetic diseases. Identifiers: MedGen C0950123, MeSH D030342.
11p partial monosomy syndrome (WAGR). Also called: WAGR syndrome; CHROMOSOME 11p13 DELETION SYNDROME; WAGR Complex; WAGR Spectrum Disorder. Identifiers: Orphanet 893, MedGen C0206115, MONDO:0008681, OMIM 194072.

Submissions (3):

Ambry Genetics
Classification: Likely benign for Inborn genetic diseases. Last evaluated: 2025-01-24. Review status: criteria provided, single submitter. Criteria: Ambry Variant Classification Scheme 2023. Collection method: clinical testing. Allele origin: germline.

Fulgent Genetics
Classification: Uncertain significance for Frasier syndrome; Mesothelioma, malignant; Wilms tumor 1; Drash syndrome; Nephrotic syndrome, type 4; Meacham syndrome. Last evaluated: 2024-04-13. Review status: criteria provided, single submitter. Criteria: ACMG Guidelines, 2015. Collection method: clinical testing. Allele origin: germline.

Labcorp Genetics (formerly Invitae), Labcorp
Classification: Uncertain significance for Wilms tumor 1; Drash syndrome; 11p partial monosomy syndrome; Frasier syndrome. Last evaluated: 2020-06-28. Review status: criteria provided, single submitter. Criteria: Invitae Variant Classification Sherloc (09022015). Collection method: clinical testing. Allele origin: germline.
Comment: This variant is not present in population databases (ExAC no frequency). In summary, the available evidence is currently insufficient to determine the role of this variant in disease. Therefore, it has been classified as a Variant of Uncertain Significance. Algorithms developed to predict the effect of missense changes on protein structure and function are either unavailable or do not agree on the potential impact of this missense change (SIFT: "Tolerated"; PolyPhen-2: "Possibly Damaging"; Align-GVGD: "Class C0"). This variant has not been reported in the literature in individuals with WT1-related conditions. This sequence change replaces lysine with asparagine at codon 327 of the WT1 protein (p.Lys327Asn). The lysine residue is moderately conserved and there is a moderate physicochemical difference between lysine and asparagine.